The following is an entry in ClinVar:

NM_001368397.1(FRMPD4):c.3068G>T (p.Cys1023Phe)

Gene: FRMPD4 (FERM and PDZ domain containing 4; plus strand). Cytogenetic location: Xp22.2.
Variant type: single nucleotide variant.
Coding change: c.3068G>T on transcript NM_001368397.1 (MANE Select); coding-DNA position 3068, G replaced by T.
Protein change: p.Cys1023Phe; replaces cysteine 1023 with phenylalanine.
Molecular consequence: missense variant.
Genome position (GRCh38, 1-based): chrX:12,717,894, G>T. VCF-style: chrX-12717894-G-T. GRCh37 (hg19) VCF-style: chrX-12736013-G-T.
Other names: c.3179G>T, p.Cys1060Phe (NM_001368395.3, NM_001368398.3); c.3074G>T, p.Cys1025Phe (NM_001368396.3); c.3059G>T, p.Cys1020Phe (NM_001368399.3); c.2948G>T, p.Cys983Phe (NM_001368400.3); c.3044G>T, p.Cys1015Phe (NM_001368401.1, NM_001368402.3); c.3068G>T, p.Cys1023Phe (NM_014728.3); short protein forms C1015F, C1020F, C1023F, C1025F, C1060F, C983F.
Identifiers: ClinVar variation 4690197 (VCV004690197.1).

ClinVar aggregate classification (germline): Uncertain significance (1 of 4 stars; one submission).

Submission:

GeneDx
Classification: Uncertain significance. Last evaluated: 2025-08-01. Review status: criteria provided, single submitter. Criteria: GeneDx Variant Classification Process June 2021. Collection method: clinical testing. Allele origin: germline. Affected: yes.
Comment: Not observed at significant frequency in large population cohorts (gnomAD); In silico analysis suggests that this missense variant does not alter protein structure/function; Has not been previously published as pathogenic or benign to our knowledge